The following is an entry in ClinVar:

NM_004385.5(VCAN):c.2873G>A (p.Ser958Asn)

Gene: VCAN (versican; plus strand). Cytogenetic location: 5q14.3.
Variant type: single nucleotide variant.
Coding change: c.2873G>A on transcript NM_004385.5 (MANE Select); coding-DNA position 2873, G replaced by A.
Protein change: p.Ser958Asn; replaces serine 958 with asparagine.
Molecular consequence: missense variant. On other transcripts: intron variant (2).
Genome position (GRCh38, 1-based): chr5:83,521,179, G>A. VCF-style: chr5-83521179-G-A. GRCh37 (hg19) VCF-style: chr5-82816998-G-A.
Other names: c.2873G>A, p.Ser958Asn (NM_001164098.2); c.1042+8783G>A (NM_001164097.2, NM_001126336.3); short protein forms S958N.
Identifiers: ClinVar variation 4806496 (VCV004806496.1).

ClinVar aggregate classification (germline): Uncertain significance (1 of 4 stars; one submission).

gnomAD v4.1: 1 of 1,613,586 alleles (0.000062%); highest among the groups gnomAD compares: Non-Finnish European, 0.000085%; no homozygotes.

Submission:

Labcorp Genetics (formerly Invitae), Labcorp
Classification: Uncertain significance. Last evaluated: 2025-03-19. Review status: criteria provided, single submitter. Criteria: Invitae Variant Classification Sherloc (09022015). Collection method: clinical testing. Allele origin: germline.
Comment: This sequence change replaces serine, which is neutral and polar, with asparagine, which is neutral and polar, at codon 958 of the VCAN protein (p.Ser958Asn). This variant is not present in population databases (gnomAD no frequency). This variant has not been reported in the literature in individuals affected with VCAN-related conditions. An algorithm developed to predict the effect of missense changes on protein structure and function (PolyPhen-2) suggests that this variant is likely to be disruptive. In summary, the available evidence is currently insufficient to determine the role of this variant in disease. Therefore, it has been classified as a Variant of Uncertain Significance.